The following is an entry in ClinVar:

ClinVar aggregate classification (germline): Uncertain significance (1 of 4 stars; one submission).

Submission:

Labcorp Genetics (formerly Invitae), Labcorp
Classification: Uncertain significance. Last evaluated: 2022-06-19. Review status: criteria provided, single submitter. Criteria: Invitae Variant Classification Sherloc (09022015). Collection method: clinical testing. Allele origin: germline.
Comment: In summary, the available evidence is currently insufficient to determine the role of this variant in disease. Therefore, it has been classified as a Variant of Uncertain Significance. Experimental studies and prediction algorithms are not available or were not evaluated, and the functional significance of this variant is currently unknown. This variant has not been reported in the literature in individuals affected with DOCK6-related conditions. Information on the frequency of this variant in the gnomAD database is not available, as this variant may be reported differently in the database. This sequence change replaces isoleucine, which is neutral and non-polar, with phenylalanine, which is neutral and non-polar, at codon 927 of the DOCK6 protein (p.Ile927Phe).

NM_020812.4(DOCK6):c.2778_2779delinsAT (p.Ile927Phe)

Gene: DOCK6 (dedicator of cytokinesis 6; minus strand). Cytogenetic location: 19p13.2.
Variant type: Indel.
Coding change: c.2778_2779delinsAT on transcript NM_020812.4 (MANE Select); coding-DNA positions 2778 to 2779, CA replaced by AT.
Protein change: p.Ile927Phe; replaces isoleucine 927 with phenylalanine.
Molecular consequence: missense variant.
Genome position (GRCh38, 1-based): chr19:11,228,975-11,228,976, TG replaced by AT on the plus strand (CA replaced by AT on the coding strand, the reverse complement: DOCK6 is on the minus strand). VCF-style: chr19-11228975-TG-AT. GRCh37 (hg19) VCF-style: chr19-11339651-TG-AT.
Other names: c.2883_2884delinsAT, p.Ile962Phe (NM_001367830.1); short protein forms I927F, I962F.
Identifiers: ClinVar variation 2130596 (VCV002130596.4), dbSNP rs2513073472, ClinGen allele CA2580096397.